The following is an entry in ClinVar:

ClinVar aggregate classification (germline): Uncertain significance. Review status: criteria provided, multiple submitters, no conflicts (2 of 4 stars). 2 submissions from 2 submitters: Uncertain significance (2). Last evaluated 2025-01-26.

Conditions:
Inborn genetic diseases. Identifiers: MedGen C0950123, MeSH D030342.

gnomAD v4.1: 140 of 1,614,036 alleles (0.0087%); highest among the groups gnomAD compares: Non-Finnish European, 0.011%; no homozygotes.

Submissions (2):

Ambry Genetics
Classification: Uncertain significance for Inborn genetic diseases. Last evaluated: 2025-01-26. Review status: criteria provided, single submitter. Criteria: Ambry Variant Classification Scheme 2023. Collection method: clinical testing. Allele origin: germline.

Labcorp Genetics (formerly Invitae), Labcorp
Classification: Uncertain significance. Last evaluated: 2024-04-25. Review status: criteria provided, single submitter. Criteria: Invitae Variant Classification Sherloc (09022015). Collection method: clinical testing. Allele origin: germline.
Comment: This sequence change replaces serine, which is neutral and polar, with asparagine, which is neutral and polar, at codon 77 of the TBX19 protein (p.Ser77Asn). This variant is present in population databases (rs755600536, gnomAD 0.005%). This variant has not been reported in the literature in individuals affected with TBX19-related conditions. An algorithm developed to predict the effect of missense changes on protein structure and function (PolyPhen-2) suggests that this variant is likely to be tolerated. In summary, the available evidence is currently insufficient to determine the role of this variant in disease. Therefore, it has been classified as a Variant of Uncertain Significance.

NM_005149.3(TBX19):c.230G>A (p.Ser77Asn)

Gene: TBX19 (T-box transcription factor 19; plus strand). Cytogenetic location: 1q24.2.
Variant type: single nucleotide variant.
Coding change: c.230G>A on transcript NM_005149.3 (MANE Select); coding-DNA position 230, G replaced by A.
Protein change: p.Ser77Asn; replaces serine 77 with asparagine.
Molecular consequence: missense variant.
Genome position (GRCh38, 1-based): chr1:168,291,186, G>A. VCF-style: chr1-168291186-G-A. GRCh37 (hg19) VCF-style: chr1-168260424-G-A.
Other names: c.230G>A (NM_005149.2); short protein forms S77N.
Identifiers: ClinVar variation 3671584 (VCV003671584.3).